The following is an entry in ClinVar:

ClinVar aggregate classification (germline): Uncertain significance (1 of 4 stars; one submission).

Conditions:
Hereditary cancer-predisposing syndrome. Also called: Neoplastic Syndromes, Hereditary; Tumor predisposition; Hereditary neoplastic syndrome; Hereditary Cancer Syndrome. Identifiers: Orphanet 140162, MedGen C0027672, MeSH D009386, MONDO:0015356.

Submission:

Ambry Genetics
Classification: Uncertain significance for Hereditary cancer-predisposing syndrome. Last evaluated: 2026-07-07. Review status: criteria provided, single submitter. Criteria: Ambry Variant Classification Scheme 2023. Collection method: clinical testing. Allele origin: germline.
Comment: The p.L70M variant (also known as c.208C>A), located in coding exon 2 of the SDHAF2 gene, results from a C to A substitution at nucleotide position 208. The leucine at codon 70 is replaced by methionine, an amino acid with highly similar properties. This amino acid position is conserved. In addition, the in silico prediction for this alteration is inconclusive. Based on the available evidence, the clinical significance of this variant remains unclear.

NM_017841.4(SDHAF2):c.208C>A (p.Leu70Met)

Gene: SDHAF2 (succinate dehydrogenase complex assembly factor 2; plus strand). Cytogenetic location: 11q12.2.
Variant type: single nucleotide variant.
Coding change: c.208C>A on transcript NM_017841.4 (MANE Select); coding-DNA position 208, C replaced by A.
Protein change: p.Leu70Met; replaces leucine 70 with methionine.
Molecular consequence: missense variant.
Genome position (GRCh38, 1-based): chr11:61,437,796, C>A. VCF-style: chr11-61437796-C-A. GRCh37 (hg19) VCF-style: chr11-61205268-C-A.
Other names: short protein forms L70M.
Identifiers: ClinVar variation 5029241 (VCV005029241.1).